The following is an entry in ClinVar:

NM_004937.3(CTNS):c.699_700del (p.Ser234fs)

Gene: CTNS (cystinosin, lysosomal cystine transporter; plus strand). Cytogenetic location: 17p13.2.
Variant type: Microsatellite.
Coding change: c.699_700del on transcript NM_004937.3 (MANE Select); coding-DNA positions 699 to 700, 2 bases deleted (GT; older notation c.699_700delGT).
Protein change: p.Ser234fs; shifts the reading frame from serine 234.
Molecular consequence: frameshift variant.
Genome position (GRCh38, 1-based): chr17:3,658,022-3,658,023, GT deleted; deleting any 2 consecutive bases within chr17:3,658,020-3,658,023 gives the same sequence; the c. name uses the placement nearest the transcript's 3' end. VCF-style (leftmost placement, unchanged base first): chr17-3658019-CGT-C. GRCh37 (hg19) VCF-style: chr17-3561313-CGT-C.
Other names: c.258_259del, p.Ser87fs (NM_001374494.1, NM_001374495.1, NM_001374496.1 and 1 more transcripts); c.699_700delGT (NM_004937.2); c.699_700del, p.Ser234fs (NM_001031681.3, NM_001374492.1); short protein forms S234fs, S87fs.
Identifiers: ClinVar variation 1425663 (VCV001425663.11), dbSNP rs766981777, ClinGen allele CA8291862.

ClinVar aggregate classification (germline): Pathogenic. Review status: criteria provided, multiple submitters, no conflicts (2 of 4 stars). 3 submissions from 3 submitters: Pathogenic (3). Last evaluated 2025-05-28.

Conditions:
Inborn genetic diseases. Identifiers: MedGen C0950123, MeSH D030342.
Juvenile nephropathic cystinosis. Also called: Intermediate Cystinosis; CYSTINOSIS, LATE-ONSET JUVENILE OR ADOLESCENT NEPHROPATHIC TYPE; Later-Onset (Juvenile) Cystinosis. Identifiers: Orphanet 213, Orphanet 411634, MedGen C0268626, MONDO:0009066, OMIM 219900.
Ocular cystinosis. Also called: Non-Nephropathic Cystinosis; Non-Nephropathic (Ocular) Cystinosis. Identifiers: Orphanet 213, Orphanet 411641, MedGen C2931013, MONDO:0009064, OMIM 219750.
Cystinosis. Also called: Cystine diathesis; Cystine storage disease; Cystinoses. Identifiers: Orphanet 213, MedGen C4316899, MONDO:0016239.
Nephropathic cystinosis (CTNS). Also called: Abderhalden Lignac Kaufmann disease; Abderhalden-Kaufmann-Lignac syndrome; CYSTINOSIN, DEFECT OF; LYSOSOMAL CYSTINE TRANSPORT PROTEIN, DEFECT OF. Identifiers: Orphanet 213, Orphanet 411629, MedGen C2931187, MONDO:0100151, OMIM 219800.

Submissions (3):

Natera, Inc.
Classification: Pathogenic for Cystinosis. Last evaluated: 2025-05-28. Review status: criteria provided, single submitter. Criteria: Natera Variant Classification Schema (03/2026). Collection method: clinical testing. Allele origin: germline.
Comment: The c.699_700delGT variant in CTNS is a frameshift variant predicted to shift the reading frame beginning at codon 234 and leads to a stop codon 61 codons downstream. This variant is expected to result in nonsense mediated decay, truncation, or a dysfunctional protein product. This variant is rare in the general population with a frequency below the threshold expected for the associated phenotype(s). This variant has been observed in one or more individuals affected with the associated recessive disease, as either homozygous or compound heterozygous with a second variant (PMID: 35571017, 30849045, 12825071). Given the available evidence, this variant is classified as Pathogenic.

Baylor Genetics
Classification: Pathogenic for Nephropathic cystinosis. Last evaluated: 2024-03-24. Review status: criteria provided, single submitter. Criteria: ACMG Guidelines, 2015. Collection method: clinical testing. Allele origin: unknown.

Labcorp Genetics (formerly Invitae), Labcorp
Classification: Pathogenic for Inborn genetic diseases; Ocular cystinosis; Juvenile nephropathic cystinosis. Last evaluated: 2023-08-21. Review status: criteria provided, single submitter. Criteria: Invitae Variant Classification Sherloc (09022015). Collection method: clinical testing. Allele origin: germline.
Comment: For these reasons, this variant has been classified as Pathogenic. This premature translational stop signal has been observed in individual(s) with cystinosis (PMID: 12825071, 30849045). This variant is present in population databases (rs766981777, gnomAD 0.003%). This sequence change creates a premature translational stop signal (p.Ser234Leufs*61) in the CTNS gene. It is expected to result in an absent or disrupted protein product. Loss-of-function variants in CTNS are known to be pathogenic (PMID: 9537412, 27102039).

Literature cited by the submitters: PubMed 35571017 (cited by Natera, Inc.); PubMed 30849045 (cited by Natera, Inc. and Labcorp Genetics (formerly Invitae), Labcorp); PubMed 12825071 (cited by Natera, Inc. and Labcorp Genetics (formerly Invitae), Labcorp); PubMed 9537412 (cited by Labcorp Genetics (formerly Invitae), Labcorp); PubMed 27102039 (cited by Labcorp Genetics (formerly Invitae), Labcorp).